The following is an entry in ClinVar:

NM_004304.5(ALK):c.1336G>A (p.Gly446Arg)

Gene: ALK (ALK receptor tyrosine kinase; minus strand). Cytogenetic location: 2p23.2.
Variant type: single nucleotide variant.
Coding change: c.1336G>A on transcript NM_004304.5 (MANE Select); coding-DNA position 1336, G replaced by A.
Protein change: p.Gly446Arg; replaces glycine 446 with arginine.
Molecular consequence: missense variant.
Genome position (GRCh38, 1-based): chr2:29,328,428, C>T on the plus strand (G>A on the coding strand, the complement: ALK is on the minus strand). VCF-style: chr2-29328428-C-T. GRCh37 (hg19) VCF-style: chr2-29551294-C-T.
Other names: short protein forms G446R.
Identifiers: ClinVar variation 2802982 (VCV002802982.3), dbSNP rs2148258348, ClinGen allele CA346474368.

ClinVar aggregate classification (germline): Uncertain significance (1 of 4 stars; one submission).

Conditions:
Neuroblastoma, susceptibility to, 3. Also called: ALK-Related Neuroblastic Tumor Susceptibility. Identifiers: Orphanet 635, MedGen C2751681, MONDO:0013083, OMIM 613014.

Submission:

Labcorp Genetics (formerly Invitae), Labcorp
Classification: Uncertain significance for Neuroblastoma, susceptibility to, 3. Last evaluated: 2023-12-26. Review status: criteria provided, single submitter. Criteria: Invitae Variant Classification Sherloc (09022015). Collection method: clinical testing. Allele origin: germline.
Comment: This sequence change replaces glycine, which is neutral and non-polar, with arginine, which is basic and polar, at codon 446 of the ALK protein (p.Gly446Arg). This variant is not present in population databases (gnomAD no frequency). This variant has not been reported in the literature in individuals affected with ALK-related conditions. An algorithm developed to predict the effect of missense changes on protein structure and function (PolyPhen-2) suggests that this variant is likely to be disruptive. In summary, the available evidence is currently insufficient to determine the role of this variant in disease. Therefore, it has been classified as a Variant of Uncertain Significance.